The following is an entry in ClinVar:

ClinVar aggregate classification (germline): Likely pathogenic (1 of 4 stars; one submission).

Conditions:
Hereditary cancer-predisposing syndrome. Also called: Neoplastic Syndromes, Hereditary; Tumor predisposition; Hereditary neoplastic syndrome; Hereditary Cancer Syndrome. Identifiers: Orphanet 140162, MedGen C0027672, MeSH D009386, MONDO:0015356.

Submission:

Ambry Genetics
Classification: Likely pathogenic for Hereditary cancer-predisposing syndrome. Last evaluated: 2023-11-01. Review status: criteria provided, single submitter. Criteria: Ambry Variant Classification Scheme 2023. Collection method: clinical testing. Allele origin: germline.
Comment: The c.2511_2514+6del10 variant results from a deletion of 10 nucleotides between positions 2511 and 2514+6 and involves the canonical splice donor site after coding exon 5 of the PALB2 gene. The canonical splice donor site is highly conserved in available vertebrate species. In silico splice site analysis predicts that this alteration will weaken the native splice donor site; however, the exact impact of this deletion on PALB2 splicing and function is currently unknown. Alterations that disrupt the canonical splice site are expected to cause aberrant splicing, resulting in an abnormal protein or a transcript that is subject to nonsense-mediated mRNA decay. As such, this alteration is classified as likely pathogenic.

NM_024675.4(PALB2):c.2511_2514+6del

Gene: PALB2 (partner and localizer of BRCA2; minus strand). Cytogenetic location: 16p12.2.
Variant type: Deletion.
Coding change: c.2511_2514+6del on transcript NM_024675.4 (MANE Select); coding-DNA position 2511 through 6 bases into the intron after coding-DNA position 2514, 10 bases deleted (ACAGGTACAA; older notation c.2511_2514+6delACAGGTACAA).
Molecular consequence: splice donor variant. On other transcripts: intron variant (1).
Genome position (GRCh38, 1-based): chr16:23,629,634-23,629,643, TTGTACCTGT deleted on the plus strand (ACAGGTACAA on the coding strand, the reverse complement: PALB2 is on the minus strand); deleting any 10 consecutive bases within chr16:23,629,634-23,629,644 gives the same sequence; the c. name uses the placement nearest the transcript's 3' end. VCF-style (leftmost placement, unchanged base first): chr16-23629633-ATTGTACCTGT-A. GRCh37 (hg19) VCF-style: chr16-23640954-ATTGTACCTGT-A.
Other names: c.1626_1629+6del (NM_001407308.1, NM_001407306.1, NM_001407307.1 and 5 more transcripts); c.49-368_49-359del (NM_001407314.1); c.723_726+6del (NM_001407313.1, NM_001407312.1); c.2451_2454+6del (NM_001407296.1); c.2511_2514+6del (NM_001407297.1, NM_001407302.1, NM_001407298.1 and 3 more transcripts).
Identifiers: ClinVar variation 3228011 (VCV003228011.1), dbSNP rs2506401937, ClinGen allele CA2825002420.